The following is an entry in ClinVar:

NM_006363.6(SEC23B):c.1467_1486del (p.Ser490fs)

Gene: SEC23B (SEC23 homolog B, COPII component; plus strand). Cytogenetic location: 20p11.23.
Variant type: Deletion.
Coding change: c.1467_1486del on transcript NM_006363.6 (MANE Select); coding-DNA positions 1467 to 1486, 20 bases deleted (CTCCAGCACCCAGAGACGCA).
Protein change: p.Ser490fs; shifts the reading frame from serine 490.
Molecular consequence: frameshift variant.
Genome position (GRCh38, 1-based): chr20:18,542,358-18,542,377, CTCCAGCACCCAGAGACGCA deleted; deleting any 20 consecutive bases within chr20:18,542,355-18,542,377 gives the same sequence; the c. name uses the placement nearest the transcript's 3' end. VCF-style (leftmost placement, unchanged base first): chr20-18542354-AGCACTCCAGCACCCAGAGAC-A. GRCh37 (hg19) VCF-style: chr20-18522998-AGCACTCCAGCACCCAGAGAC-A.
Other names: c.1467_1486del, p.Ser490fs (NM_001172745.3, NM_032985.6, NM_032986.5); c.1413_1432del, p.Ser472fs (NM_001172746.3); short protein forms S472fs, S490fs.
Identifiers: ClinVar variation 4986208 (VCV004986208.1).

ClinVar aggregate classification (germline): Likely pathogenic (1 of 4 stars; one submission).

Conditions:
SEC23B-related disorder. Also called: SEC23B-related condition; SEC23B-related disorders.

Submission:

PreventionGenetics, part of Exact Sciences
Classification: Likely pathogenic for SEC23B-related condition. Last evaluated: 2025-06-18. Review status: criteria provided, single submitter. Criteria: ACMG Guidelines, 2015. Collection method: clinical testing. Allele origin: germline.
Comment: The SEC23B c.1467_1486del20 variant is predicted to result in a frameshift and premature protein termination (p.Ser490Profs*24). To our knowledge, this variant has not been reported in the literature or in a large population database (gnomAD), indicating this variant is rare. At the time of reporting, this variant has not been reported in ClinVar. Frameshift variants in SEC23B are expected to be pathogenic. This variant is interpreted as likely pathogenic.